The following is an entry in ClinVar:

ClinVar aggregate classification (germline): Uncertain significance. Review status: criteria provided, multiple submitters, no conflicts (2 of 4 stars). 5 submissions from 5 submitters: Uncertain significance (5). Last evaluated 2025-06-27.

Conditions:
Cardiac arrhythmia, ankyrin-B-related. Also called: ANKYRIN-B SYNDROME. Identifiers: Orphanet 101016, Orphanet 768, MedGen C1970119, MONDO:0010958, OMIM 600919.
Cardiovascular phenotype. Identifiers: MedGen CN230736.
Long QT syndrome (LQTS). Identifiers: MedGen C0023976, MeSH D008133, MONDO:0002442. Disease mechanism: loss of function. Inheritance: Various modes of inheritance.

Allele frequency attached by ClinVar (database versions not stated): ExAC 0.00002; gnomAD 0.00002; gnomAD exomes 0.00002 and 0.00004; TOPMed 0.00004.
gnomAD v4.1: 62 of 1,613,628 alleles (0.0038%); highest among the groups gnomAD compares: African/African-American, 0.0053%; no homozygotes.

Submissions (5):

Labcorp Genetics (formerly Invitae), Labcorp
Classification: Uncertain significance for Long QT syndrome. Last evaluated: 2025-06-27. Review status: criteria provided, single submitter. Criteria: Invitae Variant Classification Sherloc (09022015). Collection method: clinical testing. Allele origin: germline.
Comment: This sequence change replaces glycine, which is neutral and non-polar, with arginine, which is basic and polar, at codon 2034 of the ANK2 protein (p.Gly2034Arg). This variant is present in population databases (rs764677814, gnomAD 0.004%). This variant has not been reported in the literature in individuals affected with ANK2-related conditions. ClinVar contains an entry for this variant (Variation ID: 347328). An algorithm developed to predict the effect of missense changes on protein structure and function (PolyPhen-2) suggests that this variant is likely to be disruptive. In summary, the available evidence is currently insufficient to determine the role of this variant in disease. Therefore, it has been classified as a Variant of Uncertain Significance.

Ambry Genetics
Classification: Uncertain significance for Cardiovascular phenotype. Last evaluated: 2023-10-02. Review status: criteria provided, single submitter. Criteria: Ambry Variant Classification Scheme 2023. Collection method: clinical testing. Allele origin: germline.

Fulgent Genetics
Classification: Uncertain significance for Cardiac arrhythmia, ankyrin-B-related. Last evaluated: 2021-11-12. Review status: criteria provided, single submitter. Criteria: ACMG Guidelines, 2015. Collection method: clinical testing. Allele origin: unknown.

Dr. med. U. Finckh, Human Genetics, Eurofins MVZ
Classification: Uncertain significance for Cardiac arrhythmia, ankyrin-B-related. Last evaluated: 2020-04-09. Review status: criteria provided, single submitter. Criteria: ACMG Guidelines, 2015. Collection method: clinical testing. Allele origin: paternal. Observed: 2 heterozygotes.
Comment: suspicion of arrhythmogenic heart disease

Illumina Laboratory Services, Illumina
Classification: Uncertain significance for Cardiac arrhythmia, ankyrin-B-related. Last evaluated: 2018-01-12. Review status: criteria provided, single submitter. Criteria: ICSL Variant Classification Criteria 13 December 2019. Collection method: clinical testing. Allele origin: germline.

NM_001148.6(ANK2):c.6100G>A (p.Gly2034Arg)

Genes: ANK2 (ankyrin 2; plus strand), LOC126807136 (MED14-independent group 3 enhancer GRCh37_chr4:114274931-114276130; plus strand). Cytogenetic location: 4q26.
Variant type: single nucleotide variant.
Coding change: c.6100G>A on transcript NM_001148.6 (MANE Select); coding-DNA position 6100, G replaced by A.
Protein change: p.Gly2034Arg; replaces glycine 2034 with arginine.
Molecular consequence: missense variant. On other transcripts: intron variant (68).
Genome position (GRCh38, 1-based): chr4:113,354,718, G>A. VCF-style: chr4-113354718-G-A. GRCh37 (hg19) VCF-style: chr4-114275874-G-A.
Other names: c.5866G>A, p.Gly1956Arg (NM_001386142.1); c.2500G>A, p.Gly834Arg (NM_001386166.1); c.6241G>A, p.Gly2081Arg (NM_001386174.1); c.6217G>A, p.Gly2073Arg (NM_001386175.1); c.4411+4469G>A (NM_001386186.2, NM_001386148.2); c.4213+4469G>A (NM_001354269.3); c.4291+4469G>A (NM_001386187.2); c.4252+4469G>A (NM_001386147.1); and 35 more; short protein forms G2034R, G1956R, G2073R, G2081R, G834R.
Identifiers: ClinVar variation 347328 (VCV000347328.16), dbSNP rs764677814, ClinGen allele CA3051361.